The following is an entry in ClinVar:

ClinVar aggregate classification (germline): Likely pathogenic (1 of 4 stars; one submission).

Conditions:
Deficiency of UDPglucose-hexose-1-phosphate uridylyltransferase. Also called: GALACTOSEMIA I; Transferase Deficiency Galactosemia; GALT deficiency; Galactosemia, classic; GALACTOSE-1-PHOSPHATE URIDYLYLTRANSFERASE DEFICIENCY. Identifiers: Orphanet 352, Orphanet 79239, MedGen C0268151, MONDO:0009258, OMIM 230400.

Submission:

ARUP Laboratories, Molecular Genetics and Genomics, ARUP Laboratories
Classification: Likely pathogenic for Deficiency of UDPglucose-hexose-1-phosphate uridylyltransferase. Last evaluated: 2018-10-26. Review status: criteria provided, single submitter. Criteria: ARUP Molecular Germline Variant Investigation Process. Collection method: clinical testing. Allele origin: germline.
Comment: The GALT c.290A>T; p.Asn97Ile variant, to our knowledge, is not reported in the medical literature or gene specific databases. This variant is also absent from general population databases (1000 Genomes Project, Exome Variant Server, and Genome Aggregation Database), indicating it is not a common polymorphism. The asparagine at codon 97 is highly conserved, is involved in ligand binding (Boutron 2012), and computational analyses (SIFT, PolyPhen-2) predict that this variant is deleterious. Other variants at this codon (c.290A>G, p.Asn97Ser; c.289A>G; p.Asn97Asp) have been reported in individuals with galactosemia and are considered pathogenic (Boutron 2012, Shin 2004). Based on available information, the p.Asn97Ile variant is considered to be likely pathogenic. References: Boutron A et al. Mutation spectrum in the French cohort of galactosemic patients and structural simulation of 27 novel missense variations. Mol Genet Metab. 2012 Nov;107(3):438-47. Shin YS et al. Molecular and biochemical basis for variants and deficiency of GALT: report of 4 novel mutations. Bratisl Lek Listy. 2004;105(9):315-7.

NM_000155.4(GALT):c.290A>T (p.Asn97Ile)

Gene: GALT (galactose-1-phosphate uridylyltransferase; plus strand). Cytogenetic location: 9p13.3.
Variant type: single nucleotide variant.
Coding change: c.290A>T on transcript NM_000155.4 (MANE Select); coding-DNA position 290, A replaced by T.
Protein change: p.Asn97Ile; replaces asparagine 97 with isoleucine.
Molecular consequence: missense variant. On other transcripts: intron variant (1).
Genome position (GRCh38, 1-based): chr9:34,647,529, A>T. VCF-style: chr9-34647529-A-T. GRCh37 (hg19) VCF-style: chr9-34647526-A-T.
Other names: c.50+271A>T (NM_001258332.2); short protein forms N97I.
Identifiers: ClinVar variation 811178 (VCV000811178.8), dbSNP rs111033669, ClinGen allele CA373279243.